The following is an entry in ClinVar:

NM_015450.3(POT1):c.878A>T (p.Glu293Val)

Gene: POT1 (protection of telomeres 1; minus strand). Cytogenetic location: 7q31.33.
Variant type: single nucleotide variant.
Coding change: c.878A>T on transcript NM_015450.3 (MANE Select); coding-DNA position 878, A replaced by T.
Protein change: p.Glu293Val; replaces glutamic acid 293 with valine.
Molecular consequence: missense variant. On other transcripts: non-coding transcript variant (3).
Genome position (GRCh38, 1-based): chr7:124,851,943, T>A on the plus strand (A>T on the coding strand, the complement: POT1 is on the minus strand). VCF-style: chr7-124851943-T-A. GRCh37 (hg19) VCF-style: chr7-124491997-T-A.
Other names: c.878A>T (NM_015450.2); c.485A>T, p.Glu162Val (NM_001042594.2); short protein forms E162V, E293V.
Identifiers: ClinVar variation 1721920 (VCV001721920.7), dbSNP rs1358645228, ClinGen allele CA369054503.
Genomic context (GRCh38, chr7:124,851,943, plus strand): 5'-TCGTCAGGTTCTGATTGACAGATAACATCTGAATGCTGATTGGCTGTCAAATTTGCAGAT[T>A]CTAAATCCCTATAATTGAAAGAATACAATTTCAAATTGCATAAAACAAAGTCAATATAGT-3'
Protein context (NP_056265.2, residues 283-303): SDVDQLKKDL[Glu293Val]SANLTANQHS

ClinVar aggregate classification (germline): Uncertain significance. Review status: criteria provided, multiple submitters, no conflicts (2 of 4 stars). 2 submissions from 2 submitters: Uncertain significance (2). Last evaluated 2025-08-28.

Conditions:
Tumor predisposition syndrome 3 (TPDS3). Also called: Melanoma, cutaneous malignant, susceptibility to, 10; Glioma susceptibility 9; LONG TELOMERE SYNDROME, POT1-RELATED; POT1 Tumor Predisposition. Identifiers: Orphanet 618, MedGen C4014476, MONDO:0014368, OMIM 615848.
Hereditary cancer-predisposing syndrome. Also called: Hereditary Cancer Syndrome; Hereditary neoplastic syndrome; Neoplastic Syndromes, Hereditary; Tumor predisposition. Identifiers: Orphanet 140162, MedGen C0027672, MeSH D009386, MONDO:0015356.

gnomAD v4.1: 1 of 1,603,124 alleles (0.000062%); highest among the groups gnomAD compares: Admixed American, 0.0017%; no homozygotes.

Submissions (2):

Labcorp Genetics (formerly Invitae), Labcorp
Classification: Uncertain significance for Tumor predisposition syndrome 3. Last evaluated: 2025-08-28. Review status: criteria provided, single submitter. Criteria: Invitae Variant Classification Sherloc (09022015). Collection method: clinical testing. Allele origin: germline.
Comment: This sequence change replaces glutamic acid, which is acidic and polar, with valine, which is neutral and non-polar, at codon 293 of the POT1 protein (p.Glu293Val). This variant is present in population databases (no rsID available, gnomAD 0.003%). This variant has not been reported in the literature in individuals affected with POT1-related conditions. ClinVar contains an entry for this variant (Variation ID: 1721920). Invitae Evidence Modeling of protein sequence and biophysical properties (such as structural, functional, and spatial information, amino acid conservation, physicochemical variation, residue mobility, and thermodynamic stability) indicates that this missense variant is not expected to disrupt POT1 protein function with a negative predictive value of 80%. In summary, the available evidence is currently insufficient to determine the role of this variant in disease. Therefore, it has been classified as a Variant of Uncertain Significance.

Ambry Genetics
Classification: Uncertain significance for Hereditary cancer-predisposing syndrome. Last evaluated: 2024-07-30. Review status: criteria provided, single submitter. Criteria: Ambry Variant Classification Scheme 2023. Collection method: clinical testing. Allele origin: germline.
Comment: The p.E293V variant (also known as c.878A>T), located in coding exon 7 of the POT1 gene, results from an A to T substitution at nucleotide position 878. The glutamic acid at codon 293 is replaced by valine, an amino acid with dissimilar properties. This amino acid position is conserved. In addition, this alteration is predicted to be tolerated by in silico analysis. Based on the available evidence, the clinical significance of this variant remains unclear.